The following is an entry in ClinVar:

ClinVar aggregate classification (germline): Pathogenic/Likely pathogenic. Review status: criteria provided, multiple submitters, no conflicts (2 of 4 stars). 4 submissions from 4 submitters: Pathogenic (3); Likely pathogenic (1). Last evaluated 2025-05-04.

Conditions:
Hereditary cancer-predisposing syndrome. Also called: Neoplastic Syndromes, Hereditary; Tumor predisposition; Hereditary neoplastic syndrome; Hereditary Cancer Syndrome. Identifiers: Orphanet 140162, MedGen C0027672, MeSH D009386, MONDO:0015356.
Oligodontia-cancer predisposition syndrome. Also called: TOOTH AGENESIS-COLORECTAL CANCER SYNDROME. Identifiers: Orphanet 300576, MedGen C1837750, MONDO:0012075, OMIM 608615. Disease mechanism: loss of function.

Submissions (4):

Variantyx, Inc.
Classification: Likely pathogenic for Oligodontia-cancer predisposition syndrome. Last evaluated: 2025-05-04. Review status: criteria provided, single submitter. Criteria: Variantyx Assertion Criteria 2022. Collection method: clinical testing. Allele origin: germline. Inheritance: Autosomal dominant inheritance. Affected: no.
Comment: This is a frameshift variant in the AXIN2 gene (OMIM: 604025). Pathogenic variants in this gene have been associated with autosomal dominant oligodontia-colorectal cancer syndrome. This variant introduces a premature termination codon in exon 6 out of 11 and is expected to result in loss of function, which is a known disease mechanism for AXIN2 in this disorder (PMID: 15042511, 21416598, 28195393) (PVS1). This variant is absent from control populations (PM2). Based on the current evidence, this variant is classified as likely pathogenic for autosomal dominant oligodontia-colorectal cancer syndrome. Inheritance from an unaffected or mildly affected parent has been reported in the AXIN2 gene, consistent with incomplete penetrance and/or variable expressivity (PMID: 36860143).

Ambry Genetics
Classification: Pathogenic for Hereditary cancer-predisposing syndrome. Last evaluated: 2023-12-27. Review status: criteria provided, single submitter. Criteria: Ambry Variant Classification Scheme 2023. Collection method: clinical testing. Allele origin: germline.
Comment: The c.1474_1492del19 pathogenic mutation, located in coding exon 5 of the AXIN2 gene, results from a deletion of 19 nucleotides at nucleotide positions 1474 to 1492, causing a translational frameshift with a predicted alternate stop codon (p.A492Pfs*9). This alteration is expected to result in loss of function by premature protein truncation or nonsense-mediated mRNA decay. As such, this alteration is interpreted as a disease-causing mutation.

Labcorp Genetics (formerly Invitae), Labcorp
Classification: Pathogenic for Oligodontia-cancer predisposition syndrome. Last evaluated: 2023-12-18. Review status: criteria provided, single submitter. Criteria: Invitae Variant Classification Sherloc (09022015). Collection method: clinical testing. Allele origin: germline.
Comment: This sequence change creates a premature translational stop signal (p.Ala492Profs*9) in the AXIN2 gene. It is expected to result in an absent or disrupted protein product. Loss-of-function variants in AXIN2 are known to be pathogenic (PMID: 15042511, 21416598). This variant is not present in population databases (gnomAD no frequency). This variant has not been reported in the literature in individuals affected with AXIN2-related conditions. ClinVar contains an entry for this variant (Variation ID: 2583838). For these reasons, this variant has been classified as Pathogenic.

Myriad Genetics, Inc.
Classification: Pathogenic for Oligodontia-cancer predisposition syndrome. Last evaluated: 2023-06-01. Review status: criteria provided, single submitter. Criteria: Myriad Autosomal Dominant, Autosomal Recessive and X-Linked Classification Criteria (2023). Collection method: clinical testing. Allele origin: unknown.
Comment: This variant is considered pathogenic. This variant creates a frameshift predicted to result in premature protein truncation.

Literature cited by the submitters: PubMed 15042511 (cited by Variantyx, Inc. and Labcorp Genetics (formerly Invitae), Labcorp); PubMed 21416598 (cited by Variantyx, Inc. and Labcorp Genetics (formerly Invitae), Labcorp); PubMed 28195393 (cited by Variantyx, Inc.).

NM_004655.4(AXIN2):c.1474_1492del (p.Ala492fs)

Gene: AXIN2 (axin 2; minus strand). Cytogenetic location: 17q24.1.
Variant type: Deletion.
Coding change: c.1474_1492del on transcript NM_004655.4 (MANE Select); coding-DNA positions 1474 to 1492, 19 bases deleted (GCCTCGCCGGGCGCCTGCC).
Protein change: p.Ala492fs; shifts the reading frame from alanine 492.
Molecular consequence: frameshift variant.
Genome position (GRCh38, 1-based): chr17:65,537,544-65,537,562, GGCAGGCGCCCGGCGAGGC deleted on the plus strand (GCCTCGCCGGGCGCCTGCC on the coding strand, the reverse complement: AXIN2 is on the minus strand); deleting any 19 consecutive bases within chr17:65,537,544-65,537,565 gives the same sequence; the c. name uses the placement nearest the transcript's 3' end. VCF-style (leftmost placement, unchanged base first): chr17-65537543-GGGCAGGCGCCCGGCGAGGC-G. GRCh37 (hg19) VCF-style: chr17-63533661-GGGCAGGCGCCCGGCGAGGC-G.
Other names: c.1474_1492del, p.Ala492fs (NM_001363813.1); c.1474_1492del19 (NM_004655.3); short protein forms A492fs.
Identifiers: ClinVar variation 2583838 (VCV002583838.7), dbSNP rs2509414042, ClinGen allele CA2582342308.